The following is an entry in ClinVar:

NM_000751.3(CHRND):c.1218G>T (p.Glu406Asp)

Gene: CHRND (cholinergic receptor nicotinic delta subunit; plus strand). Cytogenetic location: 2q37.1.
Variant type: single nucleotide variant.
Coding change: c.1218G>T on transcript NM_000751.3 (MANE Select); coding-DNA position 1218, G replaced by T.
Protein change: p.Glu406Asp; replaces glutamic acid 406 with aspartic acid.
Molecular consequence: missense variant.
Genome position (GRCh38, 1-based): chr2:232,534,101, G>T. VCF-style: chr2-232534101-G-T. GRCh37 (hg19) VCF-style: chr2-233398811-G-T.
Other names: c.1173G>T, p.Glu391Asp (NM_001256657.2); c.636G>T, p.Glu212Asp (NM_001311195.2); c.915G>T, p.Glu305Asp (NM_001311196.2); short protein forms E305D, E212D, E406D, E391D.
Identifiers: ClinVar variation 2100002 (VCV002100002.4), dbSNP rs2469734524, ClinGen allele CA351005281.

ClinVar aggregate classification (germline): Uncertain significance (1 of 4 stars; one submission).

Conditions:
Lethal multiple pterygium syndrome (LMPS). Identifiers: Orphanet 33108, MedGen C1854678, MONDO:0009668, OMIM 253290.

Submission:

Labcorp Genetics (formerly Invitae), Labcorp
Classification: Uncertain significance for Lethal multiple pterygium syndrome. Last evaluated: 2022-03-11. Review status: criteria provided, single submitter. Criteria: Invitae Variant Classification Sherloc (09022015). Collection method: clinical testing. Allele origin: germline.
Comment: In summary, the available evidence is currently insufficient to determine the role of this variant in disease. Therefore, it has been classified as a Variant of Uncertain Significance. Advanced modeling of protein sequence and biophysical properties (such as structural, functional, and spatial information, amino acid conservation, physicochemical variation, residue mobility, and thermodynamic stability) performed at Invitae indicates that this missense variant is not expected to disrupt CHRND protein function. This variant has not been reported in the literature in individuals affected with CHRND-related conditions. This variant is not present in population databases (gnomAD no frequency). This sequence change replaces glutamic acid, which is acidic and polar, with aspartic acid, which is acidic and polar, at codon 406 of the CHRND protein (p.Glu406Asp).